The following is an entry in ClinVar:

NM_002303.6(LEPR):c.3332C>T (p.Thr1111Met)

Gene: LEPR (leptin receptor; plus strand). Cytogenetic location: 1p31.3.
Variant type: single nucleotide variant.
Coding change: c.3332C>T on transcript NM_002303.6 (MANE Select); coding-DNA position 3332, C replaced by T.
Protein change: p.Thr1111Met; replaces threonine 1111 with methionine.
Molecular consequence: missense variant.
Genome position (GRCh38, 1-based): chr1:65,636,849, C>T. VCF-style: chr1-65636849-C-T. GRCh37 (hg19) VCF-style: chr1-66102532-C-T.
Other names: short protein forms T1111M.
Identifiers: ClinVar variation 3347320 (VCV003347320.1).

ClinVar aggregate classification (germline): Uncertain significance (0 of 4 stars; one submission).

Conditions:
LEPR-related disorder. Also called: LEPR-related condition; LEPR-related disorders.

gnomAD v4.1: 8 of 1,611,990 alleles (0.0005%); highest among the groups gnomAD compares: East Asian, 0.0022%; no homozygotes.

Submission:

PreventionGenetics, part of Exact Sciences
Classification: Uncertain significance for LEPR-related condition. Last evaluated: 2024-04-16. Review status: no assertion criteria provided. Collection method: clinical testing. Allele origin: germline.
Comment: The LEPR c.3332C>T variant is predicted to result in the amino acid substitution p.Thr1111Met. This variant was observed in a cohort of individuals with obesity, and in vitro functional studies showed inconclusive evidence of loss of function (Supplemental Data Set, Shah et al. 2023. PubMed ID: 36864747). This variant is reported in 0.00089% of alleles in individuals of European (Non-Finnish) descent in gnomAD. At this time, the clinical significance of this variant is uncertain due to the absence of conclusive functional and genetic evidence.